The following is an entry in ClinVar:

NM_022124.6(CDH23):c.5566A>G (p.Met1856Val)

Gene: CDH23 (cadherin related 23; plus strand). Cytogenetic location: 10q22.1.
Variant type: single nucleotide variant.
Coding change: c.5566A>G on transcript NM_022124.6 (MANE Select); coding-DNA position 5566, A replaced by G.
Protein change: p.Met1856Val; replaces methionine 1856 with valine.
Molecular consequence: missense variant.
Genome position (GRCh38, 1-based): chr10:71,784,954, A>G. VCF-style: chr10-71784954-A-G. GRCh37 (hg19) VCF-style: chr10-73544711-A-G.
Other names: short protein forms M1856V.
Identifiers: ClinVar variation 2202563 (VCV002202563.2), dbSNP rs1478705068, ClinGen allele CA377146602.

ClinVar aggregate classification (germline): Uncertain significance (1 of 4 stars; one submission).

Allele frequency attached by ClinVar (database versions not stated): gnomAD exomes 0.00001.

Submission:

Labcorp Genetics (formerly Invitae), Labcorp
Classification: Uncertain significance. Last evaluated: 2025-05-19. Review status: criteria provided, single submitter. Criteria: Invitae Variant Classification Sherloc (09022015). Collection method: clinical testing. Allele origin: germline.
Comment: This sequence change replaces methionine, which is neutral and non-polar, with valine, which is neutral and non-polar, at codon 1856 of the CDH23 protein (p.Met1856Val). This variant is present in population databases (no rsID available, gnomAD 0.006%). This variant has not been reported in the literature in individuals affected with CDH23-related conditions. ClinVar contains an entry for this variant (Variation ID: 2202563). Invitae Evidence Modeling of protein sequence and biophysical properties (such as structural, functional, and spatial information, amino acid conservation, physicochemical variation, residue mobility, and thermodynamic stability) has been performed for this missense variant. However, the output from this modeling did not meet the statistical confidence thresholds required to predict the impact of this variant on CDH23 protein function. In summary, the available evidence is currently insufficient to determine the role of this variant in disease. Therefore, it has been classified as a Variant of Uncertain Significance.